The following is an entry in ClinVar:

ClinVar aggregate classification (germline): Benign/Likely benign. Review status: criteria provided, multiple submitters, no conflicts (2 of 4 stars). 4 submissions from 4 submitters: Benign (2); Likely benign (1). 1 of the submissions does not count toward it. Last evaluated 2025-12-23.

Conditions:
TNFRSF11B-related disorder. Also called: TNFRSF11B-related condition.

Allele frequency attached by ClinVar (database versions not stated): gnomAD exomes 0.00025 and 0.00063; ExAC 0.00089; gnomAD 0.00260 and 0.00284; TOPMed 0.00267; 1000 Genomes Project 0.00300; ESP Exome Variant Server 0.00354; 1000 Genomes Project 30x 0.00359.
gnomAD v4.1: 780 of 1,614,178 alleles (0.048%); highest among the groups gnomAD compares: African/African-American, 0.89%; 4 homozygotes.

Submissions (4):

Labcorp Genetics (formerly Invitae), Labcorp
Classification: Benign. Last evaluated: 2025-12-23. Review status: criteria provided, single submitter. Criteria: Invitae Variant Classification Sherloc (09022015). Collection method: clinical testing. Allele origin: germline.

Blueprint Genetics
Classification: Likely benign. Last evaluated: 2024-09-16. Review status: criteria provided, single submitter. Criteria: ACMG Guidelines, 2015. Collection method: clinical testing. Allele origin: germline.

Breakthrough Genomics
Classification: Benign. Review status: criteria provided, single submitter. Criteria: ACMG Guidelines, 2015. Collection method: not provided. Allele origin: germline. Inheritance: Autosomal recessive inheritance. Affected: yes.

PreventionGenetics, part of Exact Sciences
Classification: Benign for TNFRSF11B-related condition. Last evaluated: 2024-06-17. Review status: no assertion criteria provided. Collection method: clinical testing. Allele origin: germline. Not counted in ClinVar's aggregate classification.
Comment: This variant is classified as benign based on ACMG/AMP sequence variant interpretation guidelines (Richards et al. 2015 PMID: 25741868, with internal and published modifications).

NM_002546.4(TNFRSF11B):c.186C>T (p.Cys62=)

Gene: TNFRSF11B (TNF receptor superfamily member 11b; minus strand). Cytogenetic location: 8q24.12.
Variant type: single nucleotide variant.
Coding change: c.186C>T on transcript NM_002546.4 (MANE Select); coding-DNA position 186, C replaced by T.
Protein change: p.Cys62=; no amino-acid change (cysteine 62 retained).
Molecular consequence: synonymous variant.
Genome position (GRCh38, 1-based): chr8:118,933,145, G>A on the plus strand (C>T on the coding strand, the complement: TNFRSF11B is on the minus strand). VCF-style: chr8-118933145-G-A. GRCh37 (hg19) VCF-style: chr8-119945384-G-A.
Identifiers: ClinVar variation 713506 (VCV000713506.13), dbSNP rs142201380, ClinGen allele CA4854972.